The following is an entry in ClinVar:

NM_006031.6(PCNT):c.3010A>T (p.Lys1004Ter)

Gene: PCNT (pericentrin; plus strand). Cytogenetic location: 21q22.3.
Variant type: single nucleotide variant.
Coding change: c.3010A>T on transcript NM_006031.6 (MANE Select); coding-DNA position 3010, A replaced by T.
Protein change: p.Lys1004Ter; replaces lysine 1004 with a stop codon.
Molecular consequence: nonsense.
Genome position (GRCh38, 1-based): chr21:46,366,984, A>T. VCF-style: chr21-46366984-A-T. GRCh37 (hg19) VCF-style: chr21-47786899-A-T.
Other names: c.2656A>T, p.Lys886Ter (NM_001315529.2); short protein forms K886*, K1004*.
Identifiers: ClinVar variation 2073302 (VCV002073302.4), dbSNP rs2518263805, ClinGen allele CA410569959.

ClinVar aggregate classification (germline): Pathogenic (1 of 4 stars; one submission).

Submission:

Labcorp Genetics (formerly Invitae), Labcorp
Classification: Pathogenic. Last evaluated: 2023-12-22. Review status: criteria provided, single submitter. Criteria: Invitae Variant Classification Sherloc (09022015). Collection method: clinical testing. Allele origin: germline.
Comment: This sequence change creates a premature translational stop signal (p.Lys1004*) in the PCNT gene. It is expected to result in an absent or disrupted protein product. Loss-of-function variants in PCNT are known to be pathogenic (PMID: 18174396, 22821869). This variant is not present in population databases (gnomAD no frequency). This variant has not been reported in the literature in individuals affected with PCNT-related conditions. ClinVar contains an entry for this variant (Variation ID: 2073302). For these reasons, this variant has been classified as Pathogenic.

Literature cited by the submitters: PubMed 18174396; PubMed 22821869.